The following is an entry in ClinVar:

ClinVar aggregate classification (germline): Uncertain significance. Review status: criteria provided, multiple submitters, no conflicts (2 of 4 stars). 2 submissions from 2 submitters: Uncertain significance (2). Last evaluated 2022-05-15.

gnomAD v4.1: 26 of 1,613,610 alleles (0.0016%); highest among the groups gnomAD compares: Non-Finnish European, 0.0021%; no homozygotes.

Submissions (2):

Labcorp Genetics (formerly Invitae), Labcorp
Classification: Uncertain significance. Last evaluated: 2022-05-15. Review status: criteria provided, single submitter. Criteria: Invitae Variant Classification Sherloc (09022015). Collection method: clinical testing. Allele origin: germline.
Comment: This sequence change replaces glycine, which is neutral and non-polar, with aspartic acid, which is acidic and polar, at codon 3753 of the ADGRV1 protein (p.Gly3753Asp). This variant is present in population databases (no rsID available, gnomAD 0.004%). This variant has not been reported in the literature in individuals affected with ADGRV1-related conditions. Algorithms developed to predict the effect of missense changes on protein structure and function are either unavailable or do not agree on the potential impact of this missense change (SIFT: "Deleterious"; PolyPhen-2: "Possibly Damaging"; Align-GVGD: "Class C0"). In summary, the available evidence is currently insufficient to determine the role of this variant in disease. Therefore, it has been classified as a Variant of Uncertain Significance.

Blueprint Genetics
Classification: Uncertain significance. Last evaluated: 2021-01-26. Review status: criteria provided, single submitter. Criteria: ACMG Guidelines, 2015. Collection method: clinical testing. Allele origin: germline.

NM_032119.4(ADGRV1):c.11258G>A (p.Gly3753Asp)

Gene: ADGRV1 (adhesion G protein-coupled receptor V1; plus strand). Cytogenetic location: 5q14.3.
Variant type: single nucleotide variant.
Coding change: c.11258G>A on transcript NM_032119.4 (MANE Select); coding-DNA position 11258, G replaced by A.
Protein change: p.Gly3753Asp; replaces glycine 3753 with aspartic acid.
Molecular consequence: missense variant. On other transcripts: non-coding transcript variant (1).
Genome position (GRCh38, 1-based): chr5:90,753,710, G>A. VCF-style: chr5-90753710-G-A. GRCh37 (hg19) VCF-style: chr5-90049527-G-A.
Other names: short protein forms G3753D.
Identifiers: ClinVar variation 2069121 (VCV002069121.3), dbSNP rs1175011743, ClinGen allele CA360365122.
Genomic context (GRCh38, chr5:90,753,710, plus strand): 5'-AGGTTGTGATTGTAACCCTCACCCGTATCACCACAGAAGGGGTTGAGGACTCATACAAAG[G>A]TGCTACTATTGATCAGGACAGAAGCAAGTCTGTTATAACAACTTTGCCCAATGACTCACC-3'
Protein context (NP_115495.3, residues 3743-3763): TTEGVEDSYK[Gly3753Asp]ATIDQDRSKS